The following is an entry in ClinVar:

ClinVar aggregate classification (germline): Uncertain significance. Review status: criteria provided, multiple submitters, no conflicts (2 of 4 stars). 4 submissions from 4 submitters: Uncertain significance (4). Last evaluated 2026-07-02.

Conditions:
Hereditary breast ovarian cancer syndrome. Also called: Hereditary breast and/or ovarian cancer syndrome; Breast and ovarian cancer; BRCA1- and BRCA2-Associated Hereditary Breast and Ovarian Cancer; Hereditary breast and ovarian cancer syndrome (HBOC); Hereditary breast and ovarian cancer syndrome; Hereditary breast and ovarian cancer. Identifiers: Orphanet 145, MedGen C0677776, MeSH D061325, MONDO:0003582. Disease mechanism: loss of function.
Hereditary cancer-predisposing syndrome. Also called: Hereditary Cancer Syndrome; Tumor predisposition; Hereditary neoplastic syndrome; Neoplastic Syndromes, Hereditary. Identifiers: Orphanet 140162, MedGen C0027672, MeSH D009386, MONDO:0015356.

Submissions (4):

Ambry Genetics
Classification: Uncertain significance for Hereditary cancer-predisposing syndrome. Last evaluated: 2026-07-02. Review status: criteria provided, single submitter. Criteria: Ambry Variant Classification Scheme 2023. Collection method: clinical testing. Allele origin: germline.
Comment: The p.H114N variant (also known as c.340C>A), located in coding exon 3 of the BRCA2 gene, results from a C to A substitution at nucleotide position 340. The histidine at codon 114 is replaced by asparagine, an amino acid with similar properties. This amino acid position is conserved. In addition, this alteration is predicted to be tolerated by in silico analysis. Based on the available evidence, the clinical significance of this variant remains unclear.

Center for Genomic Medicine, Rigshospitalet, Copenhagen University Hospital
Classification: Uncertain significance. Last evaluated: 2025-03-04. Review status: criteria provided, single submitter. Criteria: ACMG Guidelines, 2015. Collection method: clinical testing. Allele origin: germline.

Labcorp Genetics (formerly Invitae), Labcorp
Classification: Uncertain significance for Hereditary breast ovarian cancer syndrome. Last evaluated: 2024-04-29. Review status: criteria provided, single submitter. Criteria: Invitae Variant Classification Sherloc (09022015). Collection method: clinical testing. Allele origin: germline.
Comment: This sequence change replaces histidine, which is basic and polar, with asparagine, which is neutral and polar, at codon 114 of the BRCA2 protein (p.His114Asn). This variant is not present in population databases (gnomAD no frequency). This variant has not been reported in the literature in individuals affected with BRCA2-related conditions. ClinVar contains an entry for this variant (Variation ID: 491241). Advanced modeling of protein sequence and biophysical properties (such as structural, functional, and spatial information, amino acid conservation, physicochemical variation, residue mobility, and thermodynamic stability) performed at Invitae indicates that this missense variant is not expected to disrupt BRCA2 protein function with a negative predictive value of 95%. In summary, the available evidence is currently insufficient to determine the role of this variant in disease. Therefore, it has been classified as a Variant of Uncertain Significance.

Color Diagnostics, LLC DBA Color Health
Classification: Uncertain significance for Hereditary cancer-predisposing syndrome. Last evaluated: 2023-12-05. Review status: criteria provided, single submitter. Criteria: ACMG Guidelines, 2015. Collection method: clinical testing. Allele origin: germline.
Comment: This missense variant replaces histidine with asparagine at codon 114 of the BRCA2 protein. Computational prediction suggests that this variant may not impact protein structure and function (internally defined REVEL score threshold <= 0.5, PMID: 27666373). To our knowledge, functional studies have not been reported for this variant. This variant has not been reported in individuals affected with BRCA2-related disorders in the literature. This variant has not been identified in the general population by the Genome Aggregation Database (gnomAD). The available evidence is insufficient to determine the role of this variant in disease conclusively. Therefore, this variant is classified as a Variant of Uncertain Significance.

NM_000059.4(BRCA2):c.340C>A (p.His114Asn)

Gene: BRCA2 (BRCA2 DNA repair associated; plus strand). Cytogenetic location: 13q13.1.
Variant type: single nucleotide variant.
Coding change: c.340C>A on transcript NM_000059.4 (MANE Select); coding-DNA position 340, C replaced by A.
Protein change: p.His114Asn; replaces histidine 114 with asparagine.
Molecular consequence: missense variant.
Genome position (GRCh38, 1-based): chr13:32,325,099, C>A. VCF-style: chr13-32325099-C-A. GRCh37 (hg19) VCF-style: chr13-32899236-C-A.
Other names: short protein forms H114N.
Identifiers: ClinVar variation 491241 (VCV000491241.21), dbSNP rs587778129, ClinGen allele CA387756566.